The following is an entry in ClinVar:

NM_000057.4(BLM):c.380C>A (p.Thr127Asn)

Gene: BLM (BLM RecQ like helicase; plus strand). Cytogenetic location: 15q26.1.
Variant type: single nucleotide variant.
Coding change: c.380C>A on transcript NM_000057.4 (MANE Select); coding-DNA position 380, C replaced by A.
Protein change: p.Thr127Asn; replaces threonine 127 with asparagine.
Molecular consequence: missense variant. On other transcripts: 5 prime UTR variant (1).
Genome position (GRCh38, 1-based): chr15:90,749,648, C>A. VCF-style: chr15-90749648-C-A. GRCh37 (hg19) VCF-style: chr15-91292878-C-A.
Other names: c.380C>A, p.Thr127Asn (NM_001287246.2, NM_001287247.2); c.-912C>A (NM_001287248.2); short protein forms T127N.
Identifiers: ClinVar variation 1696280 (VCV001696280.1), dbSNP rs1895613545, ClinGen allele CA393840424.
Genomic context (GRCh38, chr15:90,749,648, plus strand): 5'-TATTGCCAGATTTCTTGCAGACTCCGAAGGAAGTTGTATGCACTACCCAAAACACACCAA[C>A]TGTAAAGAAATCCCGGGATACTGCTCTCAAGAAATTAGAATTTAGTTCTTCACCAGATTC-3'
Protein context (NP_000048.1, residues 117-137): EVVCTTQNTP[Thr127Asn]VKKSRDTALK

ClinVar aggregate classification (germline): Uncertain significance (1 of 4 stars; one submission).

Submission:

Women's Health and Genetics/Laboratory Corporation of America, LabCorp
Classification: Uncertain significance. Last evaluated: 2022-05-12. Review status: criteria provided, single submitter. Criteria: LabCorp Variant Classification Summary - May 2015. Collection method: clinical testing. Allele origin: germline.
Comment: Variant summary: BLM c.380C>A (p.Thr127Asn) results in a non-conservative amino acid change located in the Bloom syndrome protein, N-terminal domain (IPR032437) of the encoded protein sequence. Four of five in-silico tools predict a benign effect of the variant on protein function. The variant was absent in 251262 control chromosomes (gnomAD). The available data on variant occurrences in the general population are insufficient to allow any conclusion about variant significance. To our knowledge, no occurrence of c.380C>A in individuals affected with Bloom Syndrome and no experimental evidence demonstrating its impact on protein function have been reported. No clinical diagnostic laboratories have submitted clinical-significance assessments for this variant to ClinVar after 2014. Based on the evidence outlined above, the variant was classified as uncertain significance.